The following is an entry in ClinVar:

NC_000001.11:g.(?_212894986)_(212895290_?)dup

Gene: FLVCR1 (FLVCR choline and heme transporter 1; plus strand). Cytogenetic location: 1q32.3.
Variant type: Duplication.
Identifiers: ClinVar variation 831177 (VCV000831177.6).

ClinVar aggregate classification (germline): Uncertain significance (1 of 4 stars; one submission).

Submission:

Labcorp Genetics (formerly Invitae), Labcorp
Classification: Uncertain significance. Last evaluated: 2022-11-01. Review status: criteria provided, single submitter. Criteria: Invitae Variant Classification Sherloc (09022015). Collection method: clinical testing. Allele origin: germline.
Comment: In summary, the available evidence is currently insufficient to determine the role of this variant in disease. Therefore, it has been classified as a Variant of Uncertain Significance. This variant has not been reported in the literature in individuals affected with FLVCR1-related conditions. This variant results in a copy number gain of the genomic region encompassing exon(s) 9-10 of the FLVCR1 gene. This region includes the termination codon of the gene. This copy number gain extends beyond the assayed region for this gene and therefore may encompass additional genes. As the precise location of this event is unknown, it may be in tandem or it may be located elsewhere in the genome.